The following is an entry in ClinVar:

NM_002691.4(POLD1):c.2486T>G (p.Leu829Arg)

Gene: POLD1 (DNA polymerase delta 1, catalytic subunit; plus strand). Cytogenetic location: 19q13.33.
Variant type: single nucleotide variant.
Coding change: c.2486T>G on transcript NM_002691.4 (MANE Select); coding-DNA position 2486, T replaced by G.
Protein change: p.Leu829Arg; replaces leucine 829 with arginine.
Molecular consequence: missense variant. On other transcripts: non-coding transcript variant (1).
Genome position (GRCh38, 1-based): chr19:50,414,912, T>G. VCF-style: chr19-50414912-T-G. GRCh37 (hg19) VCF-style: chr19-50918169-T-G.
Other names: c.2486T>G, p.Leu829Arg (NM_001256849.1, NM_001438212.1, NM_001438213.1); c.2564T>G, p.Leu855Arg (NM_001308632.1); c.2414T>G, p.Leu805Arg (NM_001438210.1, NM_001438211.1); short protein forms L855R, L805R, L829R.
Identifiers: ClinVar variation 5026992 (VCV005026992.1).

ClinVar aggregate classification (germline): Uncertain significance (1 of 4 stars; one submission).

Conditions:
Hereditary cancer-predisposing syndrome. Also called: Neoplastic Syndromes, Hereditary; Tumor predisposition; Hereditary neoplastic syndrome; Hereditary Cancer Syndrome. Identifiers: Orphanet 140162, MedGen C0027672, MeSH D009386, MONDO:0015356.

Submission:

Ambry Genetics
Classification: Uncertain significance for Hereditary cancer-predisposing syndrome. Last evaluated: 2026-07-27. Review status: criteria provided, single submitter. Criteria: Ambry Variant Classification Scheme 2023. Collection method: clinical testing. Allele origin: germline.
Comment: The p.L829R variant (also known as c.2486T>G), located in coding exon 19 of the POLD1 gene, results from a T to G substitution at nucleotide position 2486. The leucine at codon 829 is replaced by arginine, an amino acid with dissimilar properties. This amino acid position is conserved. In addition, the in silico prediction for this alteration is inconclusive. Based on the available evidence, the clinical significance of this variant remains unclear.